The following is an entry in ClinVar:

ClinVar aggregate classification (germline): Conflicting classifications of pathogenicity. Review status: criteria provided, conflicting classifications (1 of 4 stars). 2 submissions from 2 submitters: Uncertain significance (1); Likely benign (1). Last evaluated 2018-01-12.

Conditions:
Neuronal ceroid lipofuscinosis 10 (CLN10). Also called: NEURONAL CEROID LIPOFUSCINOSIS DUE TO CATHEPSIN D DEFICIENCY; CTSD-Related Neuronal Ceroid-Lipofuscinosis. Identifiers: Orphanet 228337, MedGen C1864669, MONDO:0012414, OMIM 610127.

Allele frequency attached by ClinVar (database versions not stated): TOPMed 0.00001; gnomAD exomes 0.00003; ExAC 0.00009.
gnomAD v4.1: 43 of 1,508,782 alleles (0.0028%); highest among the groups gnomAD compares: Non-Finnish European, 0.0036%; no homozygotes.

Submissions (2):

Illumina Laboratory Services, Illumina
Classification: Uncertain significance for Neuronal ceroid lipofuscinosis 10. Last evaluated: 2018-01-12. Review status: criteria provided, single submitter. Criteria: ICSL Variant Classification Criteria 13 December 2019. Collection method: clinical testing. Allele origin: germline.

GeneDx
Classification: Likely benign. Last evaluated: 2016-09-15. Review status: criteria provided, single submitter. Criteria: GeneDx Variant Classification (06012015). Collection method: clinical testing. Allele origin: germline. Affected: yes.
Comment: This variant is considered likely benign or benign based on one or more of the following criteria: it is a conservative change, it occurs at a poorly conserved position in the protein, it is predicted to be benign by multiple in silico algorithms, and/or has population frequency not consistent with disease.

NM_001909.5(CTSD):c.-37G>A

Genes: CTSD (cathepsin D; minus strand), LOC130005119 (ATAC-STARR-seq lymphoblastoid silent region 3058; plus strand). Cytogenetic location: 11p15.5.
Variant type: single nucleotide variant.
Coding change: c.-37G>A on transcript NM_001909.5 (MANE Select); 37 bases upstream of the start codon, G replaced by A.
Molecular consequence: 5 prime UTR variant.
Genome position (GRCh38, 1-based): chr11:1,763,896, C>T on the plus strand (G>A on the coding strand, the complement: CTSD is on the minus strand). VCF-style: chr11-1763896-C-T. GRCh37 (hg19) VCF-style: chr11-1785126-C-T.
Identifiers: ClinVar variation 303843 (VCV000303843.6), dbSNP rs756112449, ClinGen allele CA5814335.
Genomic context (GRCh38, chr11:1,763,896, plus strand): 5'-CGGCAGAAGGCTGGAGGGCTGCATGGCGGCGGCGGCCGGGTCGGAGAGGGTCGCCGAGGC[C>T]GTGCGCTTATAGCCGGGATGACGCCGCAGTTGGGCCGGATCAGCTGACCCGCGTGTTTGC-3'